The following is an entry in ClinVar:

ClinVar aggregate classification (germline): Uncertain significance (1 of 4 stars; one submission).

Conditions:
Bardet-Biedl syndrome (BBS). Identifiers: Orphanet 110, MedGen C0752166, MONDO:0015229.

Allele frequency attached by ClinVar (database versions not stated): gnomAD exomes below 0.00001.
gnomAD v4.1: 1 of 1,613,840 alleles (0.000062%); highest among the groups gnomAD compares: Non-Finnish European, 0.000085%; no homozygotes.

Submission:

Labcorp Genetics (formerly Invitae), Labcorp
Classification: Uncertain significance for Bardet-Biedl syndrome. Last evaluated: 2022-10-17. Review status: criteria provided, single submitter. Criteria: Invitae Variant Classification Sherloc (09022015). Collection method: clinical testing. Allele origin: germline.
Comment: This sequence change replaces aspartic acid, which is acidic and polar, with glycine, which is neutral and non-polar, at codon 262 of the BBS7 protein (p.Asp262Gly). This variant is not present in population databases (gnomAD no frequency). This variant has not been reported in the literature in individuals affected with BBS7-related conditions. ClinVar contains an entry for this variant (Variation ID: 963936). Advanced modeling of protein sequence and biophysical properties (such as structural, functional, and spatial information, amino acid conservation, physicochemical variation, residue mobility, and thermodynamic stability) performed at Invitae indicates that this missense variant is expected to disrupt BBS7 protein function. In summary, the available evidence is currently insufficient to determine the role of this variant in disease. Therefore, it has been classified as a Variant of Uncertain Significance.

NM_176824.3(BBS7):c.785A>G (p.Asp262Gly)

Gene: BBS7 (Bardet-Biedl syndrome 7; minus strand). Cytogenetic location: 4q27.
Variant type: single nucleotide variant.
Coding change: c.785A>G on transcript NM_176824.3 (MANE Select); coding-DNA position 785, A replaced by G.
Protein change: p.Asp262Gly; replaces aspartic acid 262 with glycine.
Molecular consequence: missense variant.
Genome position (GRCh38, 1-based): chr4:121,853,020, T>C on the plus strand (A>G on the coding strand, the complement: BBS7 is on the minus strand). VCF-style: chr4-121853020-T-C. GRCh37 (hg19) VCF-style: chr4-122774175-T-C.
Other names: c.785A>G, p.Asp262Gly (NM_018190.4); short protein forms D262G.
Identifiers: ClinVar variation 963936 (VCV000963936.4), dbSNP rs1726405384, ClinGen allele CA358064415.